The following is an entry in ClinVar:

NM_002473.6(MYH9):c.5742C>T (p.Val1914=)

Gene: MYH9 (myosin heavy chain 9; minus strand). Cytogenetic location: 22q12.3.
Variant type: single nucleotide variant.
Coding change: c.5742C>T on transcript NM_002473.6 (MANE Select); coding-DNA position 5742, C replaced by T.
Protein change: p.Val1914=; no amino-acid change (valine 1914 retained).
Molecular consequence: synonymous variant.
Genome position (GRCh38, 1-based): chr22:36,284,116, G>A on the plus strand (C>T on the coding strand, the complement: MYH9 is on the minus strand). VCF-style: chr22-36284116-G-A. GRCh37 (hg19) VCF-style: chr22-36680162-G-A.
Other names: c.5742C>T (NM_002473.5).
Identifiers: ClinVar variation 1220156 (VCV001220156.11), dbSNP rs150728943, ClinGen allele CA10208946.
Genomic context (GRCh38, chr22:36,284,116, plus strand): 5'-TGCCGAGGCAAAGGGGCGGGTGGGCAGGGCGGCTCACCTGAGCTTGTTCTTTAGGGAGCT[G>A]ACTTCGCGGTTCATGGCATCGGCCGTCTCAGTGGCGTCCTCCAGCTCGCGCTGCAGTTTC-3'
Protein context (NP_002464.1, residues 1904-1924): TETADAMNRE[Val1914=]SSLKNKLRRG

ClinVar aggregate classification (germline): Benign/Likely benign. Review status: criteria provided, multiple submitters, no conflicts (2 of 4 stars). 4 submissions from 4 submitters: Benign (1); Likely benign (2). 1 of the submissions does not count toward it. Last evaluated 2025-10-26.

Conditions:
MYH9-related disorder. Identifiers: MedGen C1854520.

Allele frequency attached by ClinVar (database versions not stated): gnomAD exomes 0.00001 and 0.00003; ExAC 0.00002; TOPMed 0.00007; gnomAD 0.00008; 1000 Genomes Project 30x 0.00016; 1000 Genomes Project 0.00020.
gnomAD v4.1: 33 of 1,614,204 alleles (0.002%); highest among the groups gnomAD compares: African/African-American, 0.04%; no homozygotes.

Submissions (4):

Labcorp Genetics (formerly Invitae), Labcorp
Classification: Benign. Last evaluated: 2025-10-26. Review status: criteria provided, single submitter. Criteria: Invitae Variant Classification Sherloc (09022015). Collection method: clinical testing. Allele origin: germline.

Blueprint Genetics
Classification: Likely benign. Last evaluated: 2024-09-17. Review status: criteria provided, single submitter. Criteria: ACMG Guidelines, 2015. Collection method: clinical testing. Allele origin: germline.

GeneDx
Classification: Likely benign. Last evaluated: 2021-05-04. Review status: criteria provided, single submitter. Criteria: GeneDx Variant Classification Process June 2021. Collection method: clinical testing. Allele origin: germline. Affected: yes.
Comment: Has not been previously published as pathogenic or benign to our knowledge

PreventionGenetics, part of Exact Sciences
Classification: Likely benign for MYH9-related condition. Last evaluated: 2023-04-19. Review status: no assertion criteria provided. Collection method: clinical testing. Allele origin: germline. Not counted in ClinVar's aggregate classification.
Comment: This variant is classified as likely benign based on ACMG/AMP sequence variant interpretation guidelines (Richards et al. 2015 PMID: 25741868, with internal and published modifications).